The following is an entry in ClinVar:

NM_020706.2(SCAF4):c.226C>G (p.Gln76Glu)

Gene: SCAF4 (SR-related CTD associated factor 4; minus strand). Cytogenetic location: 21q22.11.
Variant type: single nucleotide variant.
Coding change: c.226C>G on transcript NM_020706.2 (MANE Select); coding-DNA position 226, C replaced by G.
Protein change: p.Gln76Glu; replaces glutamine 76 with glutamic acid.
Molecular consequence: missense variant.
Genome position (GRCh38, 1-based): chr21:31,703,860, G>C on the plus strand (C>G on the coding strand, the complement: SCAF4 is on the minus strand). VCF-style: chr21-31703860-G-C. GRCh37 (hg19) VCF-style: chr21-33076173-G-C.
Other names: c.181C>G, p.Gln61Glu (NM_001145444.1); c.226C>G, p.Gln76Glu (NM_001145445.1); short protein forms Q61E, Q76E.
Identifiers: ClinVar variation 2634613 (VCV002634613.1), dbSNP rs2516811394, ClinGen allele CA410051301.
Genomic context (GRCh38, chr21:31,703,860, plus strand): 5'-ATGTGGCAGTTATGTTTTTAGAGAATCTTGGCCCAAAAACATCTTTATCAGTTCCAAACT[G>C]ATGACGAGACTGTCGCACAATTGAGTCAATTACATATAATCCCGGAACCTTGTATTCTGG-3'
Protein context (NP_065757.1, residues 66-86): IDSIVRQSRH[Gln76Glu]FGTDKDVFGP

ClinVar aggregate classification (germline): Uncertain significance (1 of 4 stars; one submission).

Conditions:
SCAF4-related disorder. Also called: SCAF4-related condition.

Submission:

PreventionGenetics, part of Exact Sciences
Classification: Uncertain significance for SCAF4-related condition. Last evaluated: 2022-09-26. Review status: criteria provided, single submitter. Criteria: ACMG Guidelines, 2015. Collection method: clinical testing. Allele origin: germline.
Comment: The SCAF4 c.226C>G variant is predicted to result in the amino acid substitution p.Gln76Glu. To our knowledge, this variant has not been reported in the literature or in a large population database, indicating this variant is rare. At this time, the clinical significance of this variant is uncertain due to the absence of conclusive functional and genetic evidence.